The following is an entry in ClinVar:

ClinVar aggregate classification (germline): Pathogenic/Likely pathogenic. Review status: criteria provided, multiple submitters, no conflicts (2 of 4 stars). 3 submissions from 3 submitters: Pathogenic (1); Likely pathogenic (1). 1 of the submissions does not count toward it. Last evaluated 2022-11-22.

Conditions:
Hypogonadotropic hypogonadism 2 with or without anosmia (HH2). Also called: FGFR1-Related GnRH Deficiency (Kallmann Syndrome 2); HYPOGONADOTROPIC HYPOGONADISM 2 WITH OR WITHOUT ANOSMIA, SUSCEPTIBILITY TO; HYPOGONADOTROPIC HYPOGONADISM 2 WITHOUT ANOSMIA, SUSCEPTIBILITY TO; HYPOGONADOTROPIC HYPOGONADISM 2 WITHOUT ANOSMIA. Identifiers: Orphanet 478, MedGen C1563720, MONDO:0007844, OMIM 147950. Disease mechanism: loss of function.
Pfeiffer syndrome (ACS5). Also called: ACS V. Identifiers: Orphanet 710, MedGen C0220658, MONDO:0007043, OMIM 101600.
Osteoglophonic dysplasia (OGD). Also called: Osteoglophonic dwarfism. Identifiers: Orphanet 2645, MedGen C0432283, MONDO:0008150, OMIM 166250.

Submissions (3):

Labcorp Genetics (formerly Invitae), Labcorp
Classification: Pathogenic for Pfeiffer syndrome; Hypogonadotropic hypogonadism 2 with or without anosmia. Last evaluated: 2022-11-22. Review status: criteria provided, single submitter. Criteria: Invitae Variant Classification Sherloc (09022015). Collection method: clinical testing. Allele origin: germline.
Comment: Advanced modeling of protein sequence and biophysical properties (such as structural, functional, and spatial information, amino acid conservation, physicochemical variation, residue mobility, and thermodynamic stability) has been performed at Invitae for this missense variant, however the output from this modeling did not meet the statistical confidence thresholds required to predict the impact of this variant on FGFR1 protein function. Algorithms developed to predict the effect of sequence changes on RNA splicing suggest that this variant may disrupt the consensus splice site. For these reasons, this variant has been classified as Pathogenic. ClinVar contains an entry for this variant (Variation ID: 16290). This sequence change replaces cysteine, which is neutral and slightly polar, with arginine, which is basic and polar, at codon 381 of the FGFR1 protein (p.Cys381Arg). This variant is not present in population databases (gnomAD no frequency). This missense change has been observed in individual(s) with autosomal dominant osteoglophonic Dysplasia (PMID: 15625620, 16470795; Invitae). In at least one individual the variant was observed to be de novo. This variant is also known as p.C379R.

GeneDx
Classification: Likely pathogenic. Last evaluated: 2022-06-06. Review status: criteria provided, single submitter. Criteria: GeneDx Variant Classification Process June 2021. Collection method: clinical testing. Allele origin: germline. Affected: yes.
Comment: Not observed at significant frequency in large population cohorts (gnomAD); In silico analysis supports that this missense variant has a deleterious effect on protein structure/function; This variant is associated with the following publications: (PMID: 7422392, 27535533, 31319224, 31705763, 23329143, 32492752, 16470795, 15625620, 20236123)

OMIM
Classification: Pathogenic for OSTEOGLOPHONIC DYSPLASIA. Last evaluated: 2005-02-01. Review status: no assertion criteria provided. Collection method: literature only. Allele origin: germline. Not counted in ClinVar's aggregate classification.

Literature cited by the submitters: PubMed 15625620 (cited by Labcorp Genetics (formerly Invitae), Labcorp and OMIM); PubMed 16470795 (cited by Labcorp Genetics (formerly Invitae), Labcorp).

NM_023110.3(FGFR1):c.1141T>C (p.Cys381Arg)

Gene: FGFR1 (fibroblast growth factor receptor 1; minus strand). Cytogenetic location: 8p11.23.
Variant type: single nucleotide variant.
Coding change: c.1141T>C on transcript NM_023110.3 (MANE Select); coding-DNA position 1141, T replaced by C.
Protein change: p.Cys381Arg; replaces cysteine 381 with arginine.
Molecular consequence: missense variant.
Genome position (GRCh38, 1-based): chr8:38,419,676, A>G on the plus strand (T>C on the coding strand, the complement: FGFR1 is on the minus strand). VCF-style: chr8-38419676-A-G. GRCh37 (hg19) VCF-style: chr8-38277194-A-G.
Other names: c.1135T>C, p.Cys379Arg (NM_001354367.2, NM_001354369.2, NM_015850.4 and 1 more transcripts); c.868T>C, p.Cys290Arg (NM_001354368.2, NM_001354370.2, NM_023106.3); c.874T>C, p.Cys292Arg (NM_023105.3, NM_001174066.2); c.1141T>C, p.Cys381Arg (NM_001174063.2); c.1117T>C, p.Cys373Arg (NM_001174064.2); c.1234T>C, p.Cys412Arg (NM_001174067.2); short protein forms C381R, C379R, C412R, C290R, C292R, C373R.
Identifiers: ClinVar variation 16290 (VCV000016290.9), dbSNP rs121909634, ClinGen allele CA126356.
Genomic context (GRCh38, chr8:38,419,676, plus strand): 5'-TCTTCATCTTGTAGACGATGACCGACCCCACCATGCAGGAGATGAGGAAGGCCCCTGTGC[A>G]ATAGATGATGATCTCCAGGTACAGGGGCGAGGTCATCACTGCCGGCCTCTCTTCCAGGGC-3'
Protein context (NP_075598.2, residues 371-391): SPLYLEIIIY[Cys381Arg]TGAFLISCMV